The following is an entry in ClinVar:

NM_001199138.2(NLRC4):c.433C>T (p.His145Tyr)

Gene: NLRC4 (NLR family CARD domain containing 4; minus strand). Cytogenetic location: 2p22.3.
Variant type: single nucleotide variant.
Coding change: c.433C>T on transcript NM_001199138.2 (MANE Select); coding-DNA position 433, C replaced by T.
Protein change: p.His145Tyr; replaces histidine 145 with tyrosine.
Molecular consequence: missense variant. On other transcripts: intron variant (1).
Genome position (GRCh38, 1-based): chr2:32,251,431, G>A on the plus strand (C>T on the coding strand, the complement: NLRC4 is on the minus strand). VCF-style: chr2-32251431-G-A. GRCh37 (hg19) VCF-style: chr2-32476500-G-A.
Other names: c.433C>T, p.His145Tyr (NM_001199139.2, NM_021209.5); c.262+988C>T (NM_001302504.1); short protein forms H145Y.
Identifiers: ClinVar variation 708456 (VCV000708456.14), dbSNP rs145273174, ClinGen allele CA1602144.

ClinVar aggregate classification (germline): Conflicting classifications of pathogenicity. Review status: criteria provided, conflicting classifications (1 of 4 stars). 3 submissions from 3 submitters: Uncertain significance (1); Benign (1); Likely benign (1). Last evaluated 2025-10-19.

Conditions:
Inborn genetic diseases. Identifiers: MedGen C0950123, MeSH D030342.
NLRC4-related disorder. Also called: NLRC4-related condition.
Periodic fever-infantile enterocolitis-autoinflammatory syndrome. Also called: Autoinflammation with infantile enterocolitis. Identifiers: Orphanet 436166, MedGen C4015067, MONDO:0014472, OMIM 616050.
Familial cold autoinflammatory syndrome 4 (FCAS4). Identifiers: Orphanet 47045, Orphanet 576349, MedGen C4015276, MONDO:0014498, OMIM 616115.

Allele frequency attached by ClinVar (database versions not stated): 1000 Genomes Project 30x 0.00062; 1000 Genomes Project 0.00040; gnomAD exomes 0.00005 and 0.00008; gnomAD 0.00047 and 0.00051; TOPMed 0.00057; ExAC 0.00012; ESP Exome Variant Server 0.00046.

Submissions (3):

Labcorp Genetics (formerly Invitae), Labcorp
Classification: Benign for Periodic fever-infantile enterocolitis-autoinflammatory syndrome; Familial cold autoinflammatory syndrome 4. Last evaluated: 2025-10-19. Review status: criteria provided, single submitter. Criteria: Invitae Variant Classification Sherloc (09022015). Collection method: clinical testing. Allele origin: germline.

PreventionGenetics, part of Exact Sciences
Classification: Likely benign for NLRC4-related condition. Last evaluated: 2025-06-25. Review status: criteria provided, single submitter. Criteria: ACMG Guidelines, 2015. Collection method: clinical testing. Allele origin: germline.
Comment: This variant is classified as likely benign based on ACMG/AMP sequence variant interpretation guidelines (Richards et al. 2015 PMID: 25741868, with internal and published modifications).

Ambry Genetics
Classification: Uncertain significance for Inborn genetic diseases. Last evaluated: 2024-11-15. Review status: criteria provided, single submitter. Criteria: Ambry Variant Classification Scheme 2023. Collection method: clinical testing. Allele origin: germline.